The following is an entry in ClinVar:

NM_001004051.4(GPRASP2):c.383C>T (p.Ala128Val)

Genes: ARMCX5-GPRASP2 (ARMCX5-GPRASP2 readthrough; plus strand), GPRASP2 (G protein-coupled receptor associated sorting protein 2; plus strand). Cytogenetic location: Xq22.1.
Variant type: single nucleotide variant.
Coding change: c.383C>T on transcript NM_001004051.4 (MANE Select); coding-DNA position 383, C replaced by T.
Protein change: p.Ala128Val; replaces alanine 128 with valine.
Molecular consequence: missense variant. On other transcripts: intron variant (3).
Genome position (GRCh38, 1-based): chrX:102,715,252, C>T. VCF-style: chrX-102715252-C-T. GRCh37 (hg19) VCF-style: chrX-101970180-C-T.
Other names: c.383C>T, p.Ala128Val (NM_001199818.1, NM_001184874.3, NM_001184875.3 and 2 more transcripts); c.-820+986C>T (NM_001350268.2); c.-752+986C>T (NM_001350269.2); c.-721+986C>T (NM_001350270.1); short protein forms A128V.
Identifiers: ClinVar variation 3767322 (VCV003767322.1).

ClinVar aggregate classification (germline): Uncertain significance (1 of 4 stars; one submission).

Conditions:
X-linked external auditory canal atresia-dilated internal auditory canal-facial dysmorphism syndrome. Also called: DEAFNESS, X-LINKED 7. Identifiers: Orphanet 500188, MedGen C4746975, MONDO:0044702, OMIM 301018.

gnomAD v4.1: 2 of 1,208,793 alleles (0.00017%); highest among the groups gnomAD compares: African/African-American, 0.0036%; no homozygotes.

Submission:

Wonkam Laboratory, Johns Hopkins University
Classification: Uncertain significance for X-linked external auditory canal atresia-dilated internal auditory canal-facial dysmorphism syndrome. Last evaluated: 2024-01-06. Review status: criteria provided, single submitter. Criteria: ACMG Guidelines, 2015. Collection method: research. Allele origin: germline. Inheritance: X-linked inheritance. Affected: yes. Observed: 2 variant alleles.
Comment: This variant GPRASP2 c.383C>T (NM_001184875.1) is a missense variant in a gene for which primarily truncating variants are known to cause disease (BP1), Multiple lines of computational evidence suggest no impact on gene or gene product (conservation, evolutionary, splicing impact, etc.) (BP4), the variant is absent from controls (or at extremely low frequency if recessive) in Exome Sequencing Project, 1000 Genomes Project, or Exome Aggregation Consortium (PM2).